The following is an entry in ClinVar:

ClinVar aggregate classification (germline): Uncertain significance. Review status: criteria provided, multiple submitters, no conflicts (2 of 4 stars). 2 submissions from 2 submitters: Uncertain significance (2). Last evaluated 2024-03-28.

Submissions (2):

Ambry Genetics
Classification: Uncertain significance. Last evaluated: 2024-03-28. Review status: criteria provided, single submitter. Criteria: Ambry Variant Classification Scheme 2023. Collection method: clinical testing. Allele origin: germline.

Labcorp Genetics (formerly Invitae), Labcorp
Classification: Uncertain significance. Last evaluated: 2022-03-03. Review status: criteria provided, single submitter. Criteria: Invitae Variant Classification Sherloc (09022015). Collection method: clinical testing. Allele origin: germline.
Comment: This variant has not been reported in the literature in individuals affected with STAT4-related conditions. This variant is not present in population databases (gnomAD no frequency). This sequence change replaces valine, which is neutral and non-polar, with isoleucine, which is neutral and non-polar, at codon 333 of the STAT4 protein (p.Val333Ile). Algorithms developed to predict the effect of missense changes on protein structure and function are either unavailable or do not agree on the potential impact of this missense change (SIFT: "Tolerated"; PolyPhen-2: "Possibly Damaging"; Align-GVGD: "Class C0"). In summary, the available evidence is currently insufficient to determine the role of this variant in disease. Therefore, it has been classified as a Variant of Uncertain Significance.

NM_003151.4(STAT4):c.997G>A (p.Val333Ile)

Gene: STAT4 (signal transducer and activator of transcription 4; minus strand). Cytogenetic location: 2q32.2.
Variant type: single nucleotide variant.
Coding change: c.997G>A on transcript NM_003151.4 (MANE Select); coding-DNA position 997, G replaced by A.
Protein change: p.Val333Ile; replaces valine 333 with isoleucine.
Molecular consequence: missense variant.
Genome position (GRCh38, 1-based): chr2:191,061,766, C>T on the plus strand (G>A on the coding strand, the complement: STAT4 is on the minus strand). VCF-style: chr2-191061766-C-T. GRCh37 (hg19) VCF-style: chr2-191926492-C-T.
Other names: c.997G>A (NM_003151.3); c.997G>A, p.Val333Ile (NM_001243835.2); short protein forms V333I.
Identifiers: ClinVar variation 1978602 (VCV001978602.5), dbSNP rs2470763253, ClinGen allele CA349915063.